The following is an entry in ClinVar:

NM_001365999.1(SZT2):c.6008G>A (p.Arg2003His)

Gene: SZT2 (SZT2 subunit of KICSTOR complex; plus strand). Cytogenetic location: 1p34.2.
Variant type: single nucleotide variant.
Coding change: c.6008G>A on transcript NM_001365999.1 (MANE Select); coding-DNA position 6008, G replaced by A.
Protein change: p.Arg2003His; replaces arginine 2003 with histidine.
Molecular consequence: missense variant.
Genome position (GRCh38, 1-based): chr1:43,435,303, G>A. VCF-style: chr1-43435303-G-A. GRCh37 (hg19) VCF-style: chr1-43900974-G-A.
Other names: c.5837G>A, p.Arg1946His (NM_015284.4); short protein forms R1946H, R2003H.
Identifiers: ClinVar variation 588979 (VCV000588979.5), dbSNP rs769784174, ClinGen allele CA809762.
Genomic context (GRCh38, chr1:43,435,303, plus strand): 5'-CTCTTCTGGTGGCCGAGAGTGAAGAAGATCTGTGGCGCAGTGAGACTCCCTTCCACTCCC[G>A]TCAGCGGGCACCACTGCCCAGTGATGGTGAGATCCCACCCAGGAGCCTCCCTCACAAGGC-3'
Protein context (NP_001352928.1, residues 1993-2013): LWRSETPFHS[Arg2003His]QRAPLPSDDY

ClinVar aggregate classification (germline): Uncertain significance (1 of 4 stars; one submission).

Conditions:
Inborn genetic diseases. Identifiers: MedGen C0950123, MeSH D030342.

gnomAD v4.1: 31 of 1,614,098 alleles (0.0019%); highest among the groups gnomAD compares: Admixed American, 0.0033%; no homozygotes.

Submission:

Ambry Genetics
Classification: Uncertain significance for Inborn genetic diseases. Last evaluated: 2017-05-18. Review status: criteria provided, single submitter. Criteria: Ambry Variant Classification Scheme 2023. Collection method: clinical testing. Allele origin: germline.
Comment: The p.R1946H variant (also known as c.5837G>A), located in coding exon 41 of the SZT2 gene, results from a G to A substitution at nucleotide position 5837. The arginine at codon 1946 is replaced by histidine, an amino acid with highly similar properties. This amino acid position is well conserved in available vertebrate species. In addition, this alteration is predicted to be tolerated by in silico analysis. Since supporting evidence is limited at this time, the clinical significance of this alteration remains unclear.